The following is an entry in ClinVar:

ClinVar aggregate classification (germline): Benign/Likely benign. Review status: criteria provided, multiple submitters, no conflicts (2 of 4 stars). 5 submissions from 5 submitters: Benign (2); Likely benign (2). 1 of the submissions does not count toward it. Last evaluated 2026-02-01.

Conditions:
STXBP2-related disorder. Also called: STXBP2-related condition.
Familial hemophagocytic lymphohistiocytosis 5. Also called: STXBP2-Related Familial Hemophagocytic Lymphohistiocytosis (STXBP2-fHLH). Identifiers: Orphanet 540, MedGen C2751293, MONDO:0013135, OMIM 613101.

Allele frequency attached by ClinVar (database versions not stated): gnomAD 0.00081 and 0.00080; TOPMed 0.00105; ESP Exome Variant Server 0.00108; 1000 Genomes Project 0.00140; 1000 Genomes Project 30x 0.00141; gnomAD exomes 0.00027; ExAC 0.00034.
gnomAD v4.1: 278 of 1,614,044 alleles (0.017%); highest among the groups gnomAD compares: African/African-American, 0.29%; 1 homozygote.

Submissions (5):

Labcorp Genetics (formerly Invitae), Labcorp
Classification: Benign for Familial hemophagocytic lymphohistiocytosis 5. Last evaluated: 2026-02-01. Review status: criteria provided, single submitter. Criteria: Invitae Variant Classification Sherloc (09022015). Collection method: clinical testing. Allele origin: germline.

Women's Health and Genetics/Laboratory Corporation of America, LabCorp
Classification: Likely benign. Last evaluated: 2024-11-25. Review status: criteria provided, single submitter. Criteria: LabCorp Variant Classification Summary - May 2015. Collection method: clinical testing. Allele origin: germline.

Blueprint Genetics
Classification: Likely benign. Last evaluated: 2024-08-28. Review status: criteria provided, single submitter. Criteria: ACMG Guidelines, 2015. Collection method: clinical testing. Allele origin: germline.

Breakthrough Genomics
Classification: Benign. Review status: criteria provided, single submitter. Criteria: ACMG Guidelines, 2015. Collection method: not provided. Allele origin: germline. Inheritance: Autosomal recessive inheritance. Affected: yes.

PreventionGenetics, part of Exact Sciences
Classification: Likely benign for STXBP2-related condition. Last evaluated: 2020-02-11. Review status: no assertion criteria provided. Collection method: clinical testing. Allele origin: germline. Not counted in ClinVar's aggregate classification.
Comment: This variant is classified as likely benign based on ACMG/AMP sequence variant interpretation guidelines (Richards et al. 2015 PMID: 25741868, with internal and published modifications).

NM_006949.4(STXBP2):c.846C>T (p.Asp282=)

Gene: STXBP2 (syntaxin binding protein 2; plus strand). Cytogenetic location: 19p13.2.
Variant type: single nucleotide variant.
Coding change: c.846C>T on transcript NM_006949.4 (MANE Select); coding-DNA position 846, C replaced by T.
Protein change: p.Asp282=; no amino-acid change (aspartic acid 282 retained).
Molecular consequence: synonymous variant. On other transcripts: non-coding transcript variant (1).
Genome position (GRCh38, 1-based): chr19:7,642,480, C>T. VCF-style: chr19-7642480-C-T. GRCh37 (hg19) VCF-style: chr19-7707366-C-T.
Other names: c.837C>T, p.Asp279= (NM_001127396.3); c.879C>T, p.Asp293= (NM_001272034.2).
Identifiers: ClinVar variation 788259 (VCV000788259.17), dbSNP rs143108973, ClinGen allele CA9143820.